The following is an entry in ClinVar:

NM_000059.4(BRCA2):c.3484G>A (p.Ala1162Thr)

Gene: BRCA2 (BRCA2 DNA repair associated; plus strand). Cytogenetic location: 13q13.1.
Variant type: single nucleotide variant.
Coding change: c.3484G>A on transcript NM_000059.4 (MANE Select); coding-DNA position 3484, G replaced by A.
Protein change: p.Ala1162Thr; replaces alanine 1162 with threonine.
Molecular consequence: missense variant.
Genome position (GRCh38, 1-based): chr13:32,337,839, G>A. VCF-style: chr13-32337839-G-A. GRCh37 (hg19) VCF-style: chr13-32911976-G-A.
Other names: short protein forms A1162T.
Identifiers: ClinVar variation 236852 (VCV000236852.14), dbSNP rs878853570, ClinGen allele CA10583090.
Genomic context (GRCh38, chr13:32,337,839, plus strand): 5'-TTTGAAGTGCCTGAAAACCAGATGACTATCTTAAAGACCACTTCTGAGGAATGCAGAGAT[G>A]CTGATCTTCATGTCATAATGAATGCCCCATCGATTGGTCAGGTAGACAGCAGCAAGCAAT-3'
Protein context (NP_000050.3, residues 1152-1172): LKTTSEECRD[Ala1162Thr]DLHVIMNAPS

ClinVar aggregate classification (germline): Conflicting classifications of pathogenicity. Review status: criteria provided, conflicting classifications (1 of 4 stars). 4 submissions from 4 submitters: Uncertain significance (3); Likely benign (1). Last evaluated 2025-12-20.

Conditions:
Hereditary cancer-predisposing syndrome. Also called: Tumor predisposition; Hereditary neoplastic syndrome; Hereditary Cancer Syndrome; Neoplastic Syndromes, Hereditary. Identifiers: Orphanet 140162, MedGen C0027672, MeSH D009386, MONDO:0015356.
Hereditary breast ovarian cancer syndrome. Also called: Hereditary breast and ovarian cancer; Breast and ovarian cancer; BRCA1- and BRCA2-Associated Hereditary Breast and Ovarian Cancer; Hereditary breast and/or ovarian cancer syndrome; Hereditary breast and ovarian cancer syndrome; Hereditary breast and ovarian cancer syndrome (HBOC). Identifiers: Orphanet 145, MedGen C0677776, MeSH D061325, MONDO:0003582. Disease mechanism: loss of function.

Allele frequency attached by ClinVar (database versions not stated): gnomAD exomes 0.00001.
gnomAD v4.1: 3 of 1,614,080 alleles (0.00019%); highest among the groups gnomAD compares: Non-Finnish European, 0.00017%; no homozygotes.

Submissions (4):

Ambry Genetics
Classification: Uncertain significance for Hereditary cancer-predisposing syndrome. Last evaluated: 2025-12-20. Review status: criteria provided, single submitter. Criteria: Ambry Variant Classification Scheme 2023. Collection method: clinical testing. Allele origin: germline.
Comment: The p.A1162T variant (also known as c.3484G>A), located in coding exon 10 of the BRCA2 gene, results from a G to A substitution at nucleotide position 3484. The alanine at codon 1162 is replaced by threonine, an amino acid with similar properties. This amino acid position is poorly conserved in available vertebrate species. In addition, this alteration is predicted to be tolerated by in silico analysis. Since supporting evidence is limited at this time, the clinical significance of this alteration remains unclear.

Labcorp Genetics (formerly Invitae), Labcorp
Classification: Uncertain significance for Hereditary breast ovarian cancer syndrome. Last evaluated: 2025-04-07. Review status: criteria provided, single submitter. Criteria: Invitae Variant Classification Sherloc (09022015). Collection method: clinical testing. Allele origin: germline.
Comment: This sequence change replaces alanine, which is neutral and non-polar, with threonine, which is neutral and polar, at codon 1162 of the BRCA2 protein (p.Ala1162Thr). This variant is not present in population databases (gnomAD no frequency). This variant has not been reported in the literature in individuals affected with BRCA2-related conditions. ClinVar contains an entry for this variant (Variation ID: 236852). Invitae Evidence Modeling of protein sequence and biophysical properties (such as structural, functional, and spatial information, amino acid conservation, physicochemical variation, residue mobility, and thermodynamic stability) indicates that this missense variant is not expected to disrupt BRCA2 protein function with a negative predictive value of 95%. In summary, the available evidence is currently insufficient to determine the role of this variant in disease. Therefore, it has been classified as a Variant of Uncertain Significance.

University of Washington Department of Laboratory Medicine, University of Washington
Classification: Likely benign for Hereditary cancer-predisposing syndrome. Last evaluated: 2023-03-23. Review status: criteria provided, single submitter. Criteria: Dines et al. (Genet Med. 2020). Collection method: curation. Allele origin: germline.
Comment: Missense variant in a coldspot region where missense variants are very unlikely to be pathogenic (PMID:31911673).

BRCA2 exon 11 coldspot. Reclassification based on statistical prior probability.

Color Diagnostics, LLC DBA Color Health
Classification: Uncertain significance for Hereditary cancer-predisposing syndrome. Last evaluated: 2019-04-17. Review status: criteria provided, single submitter. Criteria: ACMG Guidelines, 2015. Collection method: clinical testing. Allele origin: germline.